The following is an entry in ClinVar:

ClinVar aggregate classification (germline): Uncertain significance. Review status: criteria provided, multiple submitters, no conflicts (2 of 4 stars). 3 submissions from 3 submitters: Uncertain significance (3). Last evaluated 2026-05-23.

Conditions:
Cardiovascular phenotype. Identifiers: MedGen CN230736.
Ehlers-Danlos syndrome, classic type, 1 (EDSCL1). Also called: EHLERS-DANLOS SYNDROME, GRAVIS TYPE; EHLERS-DANLOS SYNDROME, SEVERE CLASSIC TYPE; Ehlers-Danlos syndrome, type 1; Ehlers-Danlos Syndrome, Classic Type, COL5A1-Related; EDS I. Identifiers: MedGen C0268335, MONDO:0019567, OMIM 130000.
Osteogenesis imperfecta type I (OI1). Also called: OI, TYPE I; OSTEOGENESIS IMPERFECTA TARDA; OSTEOGENESIS IMPERFECTA WITH BLUE SCLERAE; Osteogenesis imperfecta type 1; Lobstein's Disease; Lobstein disease. Identifiers: Orphanet 216796, Orphanet 666, MedGen C0023931, MONDO:0008146, OMIM 166200. Disease mechanism: loss of function.

Allele frequency attached by ClinVar (database versions not stated): gnomAD exomes 0.00001; ExAC 0.00002; TOPMed 0.00002; gnomAD 0.00001.

Submissions (3):

Ambry Genetics
Classification: Uncertain significance for Cardiovascular phenotype. Last evaluated: 2026-05-23. Review status: criteria provided, single submitter. Criteria: Ambry Variant Classification Scheme 2023. Collection method: clinical testing. Allele origin: germline.
Comment: The c.455G>A (p.R152Q) alteration is located in exon 10 (coding exon 10) of the COL1A2 gene. This alteration results from a G to A substitution at nucleotide position 455, causing the arginine (R) at amino acid position 152 to be replaced by a glutamine (Q). Based on data from gnomAD, the A allele has an overall frequency of 0.001% (3/251344) total alleles studied. The highest observed frequency was 0.007% (2/30592) of South Asian alleles. Based on insufficient or conflicting evidence, the clinical significance of this alteration remains unclear.

GeneDx
Classification: Uncertain significance. Last evaluated: 2024-06-11. Review status: criteria provided, single submitter. Criteria: GeneDx Variant Classification Process June 2021. Collection method: clinical testing. Allele origin: germline. Affected: yes.
Comment: In silico analysis indicates that this missense variant does not alter protein structure/function; Has not been previously published as pathogenic or benign to our knowledge; Occurs in the triple helical domain at the X position in the canonical Gly-X-Y repeat; although this variant may have an effect on normal protein folding and function, missense substitution at the X position is not a common mechanism of disease (HGMD)

Labcorp Genetics (formerly Invitae), Labcorp
Classification: Uncertain significance for Osteogenesis imperfecta type I; Ehlers-Danlos syndrome, classic type, 1. Last evaluated: 2024-03-24. Review status: criteria provided, single submitter. Criteria: Invitae Variant Classification Sherloc (09022015). Collection method: clinical testing. Allele origin: germline.
Comment: This sequence change replaces arginine, which is basic and polar, with glutamine, which is neutral and polar, at codon 152 of the COL1A2 protein (p.Arg152Gln). This variant is present in population databases (rs765116624, gnomAD 0.007%). This variant has not been reported in the literature in individuals affected with COL1A2-related conditions. ClinVar contains an entry for this variant (Variation ID: 1492792). Advanced modeling of protein sequence and biophysical properties (such as structural, functional, and spatial information, amino acid conservation, physicochemical variation, residue mobility, and thermodynamic stability) performed at Invitae indicates that this missense variant is not expected to disrupt COL1A2 protein function with a negative predictive value of 95%. In summary, the available evidence is currently insufficient to determine the role of this variant in disease. Therefore, it has been classified as a Variant of Uncertain Significance.

NM_000089.4(COL1A2):c.455G>A (p.Arg152Gln)

Gene: COL1A2 (collagen type I alpha 2 chain; plus strand). Cytogenetic location: 7q21.3.
Variant type: single nucleotide variant.
Coding change: c.455G>A on transcript NM_000089.4 (MANE Select); coding-DNA position 455, G replaced by A.
Protein change: p.Arg152Gln; replaces arginine 152 with glutamine.
Molecular consequence: missense variant.
Genome position (GRCh38, 1-based): chr7:94,405,221, G>A. VCF-style: chr7-94405221-G-A. GRCh37 (hg19) VCF-style: chr7-94034533-G-A.
Other names: c.455G>A (NM_000089.3); short protein forms R152Q.
Identifiers: ClinVar variation 1492792 (VCV001492792.10), dbSNP rs765116624, ClinGen allele CA4346682.